The following is an entry in ClinVar:

ClinVar aggregate classification (germline): Pathogenic (1 of 4 stars; one submission).

Submission:

GeneDx
Classification: Pathogenic. Last evaluated: 2023-11-05. Review status: criteria provided, single submitter. Criteria: GeneDx Variant Classification Process June 2021. Collection method: clinical testing. Allele origin: germline. Affected: yes.
Comment: Reported previously in an individual with CHARGE spectrum disorder; however, parental segregation and detailed clinical information was not provided (PMID: 16400610); Canonical splice site variant predicted to result in a null allele in a gene for which loss of function is a known mechanism of disease; Not observed at significant frequency in large population cohorts (gnomAD); This variant is associated with the following publications: (PMID: 16400610)

NM_017780.4(CHD7):c.3778+1G>A

Gene: CHD7 (chromodomain helicase DNA binding protein 7; plus strand). Cytogenetic location: 8q12.2.
Variant type: single nucleotide variant.
Coding change: c.3778+1G>A on transcript NM_017780.4 (MANE Select); the canonical splice donor site of the intron after coding-DNA position 3778, G replaced by A.
Molecular consequence: splice donor variant. On other transcripts: intron variant (1).
Genome position (GRCh38, 1-based): chr8:60,830,578, G>A. VCF-style: chr8-60830578-G-A. GRCh37 (hg19) VCF-style: chr8-61743137-G-A.
Other names: c.1717-31651G>A (NM_001316690.1).
Identifiers: ClinVar variation 3338834 (VCV003338834.1).